The following is an entry in ClinVar:

ClinVar aggregate classification (germline): Uncertain significance (1 of 4 stars; one submission).

Submission:

Ambry Genetics
Classification: Uncertain significance. Last evaluated: 2024-04-08. Review status: criteria provided, single submitter. Criteria: Ambry Variant Classification Scheme 2023. Collection method: clinical testing. Allele origin: germline.
Comment: The p.N629D variant (also known as c.1885A>G), located in coding exon 14 of the RECQL gene, results from an A to G substitution at nucleotide position 1885. The asparagine at codon 629 is replaced by aspartic acid, an amino acid with highly similar properties. This amino acid position is conserved. In addition, this alteration is predicted to be tolerated by in silico analysis. Since supporting evidence is limited at this time, the clinical significance of this alteration remains unclear.

NM_002907.4(RECQL):c.1885A>G (p.Asn629Asp)

Genes: PYROXD1 (pyridine nucleotide-disulphide oxidoreductase domain 1; plus strand), RECQL (RecQ like helicase; minus strand). Cytogenetic location: 12p12.1.
Variant type: single nucleotide variant.
Coding change: c.1885A>G on transcript NM_002907.4 (MANE Select); coding-DNA position 1885, A replaced by G.
Protein change: p.Asn629Asp; replaces asparagine 629 with aspartic acid.
Molecular consequence: missense variant. On other transcripts: 3 prime UTR variant (3).
Genome position (GRCh38, 1-based): chr12:21,470,259, T>C on the plus strand (A>G on the coding strand, the complement: RECQL is on the minus strand). VCF-style: chr12-21470259-T-C. GRCh37 (hg19) VCF-style: chr12-21623193-T-C.
Other names: c.1885A>G, p.Asn629Asp (NM_032941.3); c.*1505T>C (NM_001350912.2, NM_001350913.2, NM_024854.5); short protein forms N629D.
Identifiers: ClinVar variation 1781962 (VCV001781962.3), dbSNP rs2540304991, ClinGen allele CA384113693.